The following is an entry in ClinVar:

ClinVar aggregate classification (germline): no classifications from unflagged records (0 of 4 stars; one submission).

Conditions:
Intellectual developmental disorder, autosomal dominant 10. Also called: Intellectual disability, autosomal dominant 10. Identifiers: MedGen C3280284, MONDO:0013657, OMIM 614256.

Submission:

OMIM
Classification: Pathogenic for INTELLECTUAL DEVELOPMENTAL DISORDER, AUTOSOMAL DOMINANT 10 (1 patient). Last evaluated: 2011-03-11. Review status: flagged submission. Collection method: literature only. Allele origin: germline.
ClinVar note: Notes: Flagging candidate with reason of insufficient supporting evidence. This gene has been classified as having a limited gene-disease relationship by a ClinGen Expert Panel.
ClinVar note: Reason: Other

Literature cited by the submitters: PubMed 21376300.

NM_006078.5(CACNG2):c.427G>C (p.Val143Leu)

Gene: CACNG2 (calcium voltage-gated channel auxiliary subunit gamma 2; minus strand). Cytogenetic location: 22q12.3.
Variant type: single nucleotide variant.
Coding change: c.427G>C on transcript NM_006078.5 (MANE Select); coding-DNA position 427, G replaced by C.
Protein change: p.Val143Leu; replaces valine 143 with leucine.
Molecular consequence: missense variant. On other transcripts: non-coding transcript variant (1).
Genome position (GRCh38, 1-based): chr22:36,566,362, C>G on the plus strand (G>C on the coding strand, the complement: CACNG2 is on the minus strand). VCF-style: chr22-36566362-C-G. GRCh37 (hg19) VCF-style: chr22-36962409-C-G.
Other names: V143L; c.358G>C, p.Val120Leu (NM_001379051.1); short protein forms V120L.
Identifiers: ClinVar variation 30282 (VCV000030282.2), dbSNP rs1935124757, ClinGen allele CA411379461.
Genomic context (GRCh38, chr22:36,566,362, plus strand): 5'-CCCACACCCCAGCCTTCTTCCCAGTGGCAGGACTGGATCAGTGGCTGTTACCTGCAGACA[C>G]GAAGAAGATGCCGGCACTCAGGATGATGTTGTGTCGAGTTTTGTAGAACTCGCTGGCTGC-3'
Protein context (NP_006069.1, residues 133-153): NIILSAGIFF[Val143Leu]SAGLSNIIGI